The following is an entry in ClinVar:

ClinVar aggregate classification (germline): Uncertain significance. Review status: criteria provided, multiple submitters, no conflicts (2 of 4 stars). 3 submissions from 3 submitters: Uncertain significance (3). Last evaluated 2024-03-06.

Conditions:
RYR1-related disorder. Also called: RYR1-related disorders; RYR1-related condition. Identifiers: MedGen CN239331.
Malignant hyperthermia, susceptibility to, 1 (MHS1). Also called: Anesthesia related hyperthermia; Malignant hyperpyrexia; Fulminating hyperpyrexia; Pharmacogenic myopathy; RYR1-Related Malignant Hyperthermia Susceptibility; Malignant hyperthermia suceptibility 1. Identifiers: Orphanet 423, MedGen C2930980, MONDO:0007783, OMIM 145600.

Allele frequency attached by ClinVar (database versions not stated): gnomAD exomes below 0.00001.
gnomAD v4.1: 1 of 1,613,858 alleles (0.000062%); highest among the groups gnomAD compares: Non-Finnish European, 0.000085%; no homozygotes.

Submissions (3):

Color Diagnostics, LLC DBA Color Health
Classification: Uncertain significance for Malignant hyperthermia, susceptibility to, 1. Last evaluated: 2024-03-06. Review status: criteria provided, single submitter. Criteria: ACMG Guidelines, 2015. Collection method: clinical testing. Allele origin: germline.
Comment: This missense variant replaces cysteine with tyrosine at codon 1268 of the RYR1 protein. Computational prediction suggests that this variant may have deleterious impact on protein structure and function. To our knowledge, functional studies have not been reported for this variant. This variant has not been reported in individuals affected with RYR1-related disorders in the literature. This variant has not been identified in the general population by the Genome Aggregation Database (gnomAD). The available evidence is insufficient to determine the role of this variant in disease conclusively. Therefore, this variant is classified as a Variant of Uncertain Significance.

All of Us Research Program, National Institutes of Health
Classification: Uncertain significance for Malignant hyperthermia, susceptibility to, 1. Last evaluated: 2023-05-30. Review status: criteria provided, single submitter. Criteria: ACMG Guidelines, 2015. Collection method: clinical testing. Allele origin: germline. Inheritance: Autosomal dominant inheritance. Observed: 1 variant allele, 1 heterozygote.
Comment: This missense variant replaces cysteine with tyrosine at codon 1268 of the RYR1 protein. Computational prediction suggests that this variant may have deleterious impact on protein structure and function (internally defined REVEL score threshold >= 0.7, PMID: 27666373). To our knowledge, functional studies have not been reported for this variant. This variant has not been reported in individuals affected with RYR1-related disorders in the literature. This variant has not been identified in the general population by the Genome Aggregation Database (gnomAD). The available evidence is insufficient to determine the role of this variant in disease conclusively. Therefore, this variant is classified as a Variant of Uncertain Significance.

This study involves interpretation of variants in research participants for the purpose of population health screening. Participant phenotype was not available at the time of variant classification. Additional details can be found in publication PMID: 35346344, PMCID: PMC8962531

Labcorp Genetics (formerly Invitae), Labcorp
Classification: Uncertain significance for RYR1-related disorder. Last evaluated: 2021-08-26. Review status: criteria provided, single submitter. Criteria: Invitae Variant Classification Sherloc (09022015). Collection method: clinical testing. Allele origin: germline.
Comment: This sequence change replaces cysteine with tyrosine at codon 1268 of the RYR1 protein (p.Cys1268Tyr). The cysteine residue is highly conserved and there is a large physicochemical difference between cysteine and tyrosine. This variant is not present in population databases (ExAC no frequency). This variant has not been reported in the literature in individuals affected with RYR1-related conditions. Advanced modeling of protein sequence and biophysical properties (such as structural, functional, and spatial information, amino acid conservation, physicochemical variation, residue mobility, and thermodynamic stability) performed at Invitae indicates that this missense variant is expected to disrupt RYR1 protein function. In summary, the available evidence is currently insufficient to determine the role of this variant in disease. Therefore, it has been classified as a Variant of Uncertain Significance.

NM_000540.3(RYR1):c.3803G>A (p.Cys1268Tyr)

Gene: RYR1 (ryanodine receptor 1; plus strand). Cytogenetic location: 19q13.2.
Variant type: single nucleotide variant.
Coding change: c.3803G>A on transcript NM_000540.3 (MANE Select); coding-DNA position 3803, G replaced by A.
Protein change: p.Cys1268Tyr; replaces cysteine 1268 with tyrosine.
Molecular consequence: missense variant.
Genome position (GRCh38, 1-based): chr19:38,473,414, G>A. VCF-style: chr19-38473414-G-A. GRCh37 (hg19) VCF-style: chr19-38964054-G-A.
Other names: c.3803G>A, p.Cys1268Tyr (NM_001042723.2); short protein forms C1268Y.
Identifiers: ClinVar variation 1904305 (VCV001904305.4), dbSNP rs2514144479, ClinGen allele CA405641478.